The following is an entry in ClinVar:

NM_025114.4(CEP290):c.6329T>C (p.Val2110Ala)

Genes: CEP290 (centrosomal protein 290; minus strand), LOC129390514 (MPRA-validated peak1864 silencer; plus strand). Cytogenetic location: 12q21.32.
Variant type: single nucleotide variant.
Coding change: c.6329T>C on transcript NM_025114.4 (MANE Select); coding-DNA position 6329, T replaced by C.
Protein change: p.Val2110Ala; replaces valine 2110 with alanine.
Molecular consequence: missense variant.
Genome position (GRCh38, 1-based): chr12:88,062,720, A>G on the plus strand (T>C on the coding strand, the complement: CEP290 is on the minus strand). VCF-style: chr12-88062720-A-G. GRCh37 (hg19) VCF-style: chr12-88456497-A-G.
Other names: short protein forms V2110A.
Identifiers: ClinVar variation 3348403 (VCV003348403.1).

ClinVar aggregate classification (germline): Uncertain significance (0 of 4 stars; one submission).

Conditions:
CEP290-related disorder. Also called: CEP290-related condition; CEP290-related disorders. Identifiers: MedGen CN239314.

gnomAD v4.1: 1 of 1,603,844 alleles (0.000062%); highest among the groups gnomAD compares: Admixed American, 0.0017%; no homozygotes.

Submission:

PreventionGenetics, part of Exact Sciences
Classification: Uncertain significance for CEP290-related condition. Last evaluated: 2024-03-15. Review status: no assertion criteria provided. Collection method: clinical testing. Allele origin: germline.
Comment: The CEP290 c.6329T>C variant is predicted to result in the amino acid substitution p.Val2110Ala. To our knowledge, this variant has not been reported in the literature. This variant is reported in 0.0030% of alleles in individuals of Latino descent in gnomAD. At this time, the clinical significance of this variant is uncertain due to the absence of conclusive functional and genetic evidence.